The following is an entry in ClinVar:

ClinVar aggregate classification (germline): Uncertain significance (1 of 4 stars; one submission).

Submission:

GeneDx
Classification: Uncertain significance. Last evaluated: 2019-05-13. Review status: criteria provided, single submitter. Criteria: GeneDx Variant Classification Process June 2021. Collection method: clinical testing. Allele origin: germline. Affected: yes.
Comment: Not observed in large population cohorts (Lek et al., 2016); In-frame deletion of 1 amino acid in a non-repeat region; In silico analysis, which includes protein predictors and evolutionary conservation, supports a deleterious effect; Has not been previously published as pathogenic or benign to our knowledge; Variants in candidate genes are classified as variants of uncertain significance in accordance with ACMG guidelines (Richards et al., 2015)

NM_005883.3(APC2):c.3670_3672del (p.Pro1224del)

Gene: APC2 (APC regulator of WNT signaling pathway 2; plus strand). Cytogenetic location: 19p13.3.
Variant type: Deletion.
Coding change: c.3670_3672del on transcript NM_005883.3 (MANE Select); coding-DNA positions 3670 to 3672, 3 bases deleted (CCC; older notation c.3670_3672delCCC).
Protein change: p.Pro1224del; deletes proline 1224.
Molecular consequence: inframe deletion.
Genome position (GRCh38, 1-based): chr19:1,466,971-1,466,973, CCC deleted; deleting any 3 consecutive bases within chr19:1,466,968-1,466,973 gives the same sequence; the c. name uses the placement nearest the transcript's 3' end. VCF-style (leftmost placement, unchanged base first): chr19-1466967-TCCC-T. GRCh37 (hg19) VCF-style: chr19-1466966-TCCC-T.
Other names: c.3667_3669del, p.Pro1223del (NM_001351273.1); short protein forms P1223del, P1224del.
Identifiers: ClinVar variation 1305556 (VCV001305556.2), dbSNP rs1226412116, ClinGen allele CA2573054734.